The following is an entry in ClinVar:

NM_024105.4(ALG12):c.626C>G (p.Ala209Gly)

Gene: ALG12 (ALG12 alpha-1,6-mannosyltransferase; minus strand). Cytogenetic location: 22q13.33.
Variant type: single nucleotide variant.
Coding change: c.626C>G on transcript NM_024105.4 (MANE Select); coding-DNA position 626, C replaced by G.
Protein change: p.Ala209Gly; replaces alanine 209 with glycine.
Molecular consequence: missense variant.
Genome position (GRCh38, 1-based): chr22:49,909,932, G>C on the plus strand (C>G on the coding strand, the complement: ALG12 is on the minus strand). VCF-style: chr22-49909932-G-C. GRCh37 (hg19) VCF-style: chr22-50303580-G-C.
Other names: short protein forms A209G.
Identifiers: ClinVar variation 2002074 (VCV002002074.4), dbSNP rs2519267895, ClinGen allele CA412074895.

ClinVar aggregate classification (germline): Uncertain significance (1 of 4 stars; one submission).

Conditions:
ALG12-congenital disorder of glycosylation (CDG1G). Also called: Congenital disorder of glycosylation, type Ig; CDG Ig; ALG12-CDG. Identifiers: Orphanet 79324, MedGen C2931001, MONDO:0011783, OMIM 607143.

Submission:

Labcorp Genetics (formerly Invitae), Labcorp
Classification: Uncertain significance for ALG12-congenital disorder of glycosylation. Last evaluated: 2024-06-03. Review status: criteria provided, single submitter. Criteria: Invitae Variant Classification Sherloc (09022015). Collection method: clinical testing. Allele origin: germline.
Comment: This sequence change replaces alanine, which is neutral and non-polar, with glycine, which is neutral and non-polar, at codon 209 of the ALG12 protein (p.Ala209Gly). This variant is not present in population databases (gnomAD no frequency). This variant has not been reported in the literature in individuals affected with ALG12-related conditions. ClinVar contains an entry for this variant (Variation ID: 2002074). Advanced modeling of protein sequence and biophysical properties (such as structural, functional, and spatial information, amino acid conservation, physicochemical variation, residue mobility, and thermodynamic stability) performed at Invitae indicates that this missense variant is not expected to disrupt ALG12 protein function with a negative predictive value of 80%. In summary, the available evidence is currently insufficient to determine the role of this variant in disease. Therefore, it has been classified as a Variant of Uncertain Significance.